The following is an entry in ClinVar:

NC_000007.13:g.(?_98478774)_(98602991_?)dup

Gene: TRRAP (transformation/transcription domain associated protein; plus strand). Cytogenetic location: 7q22.1.
Variant type: Duplication.
Identifiers: ClinVar variation 3245879 (VCV003245879.1).

ClinVar aggregate classification (germline): Uncertain significance (1 of 4 stars; one submission).

Submission:

Labcorp Genetics (formerly Invitae), Labcorp
Classification: Uncertain significance. Last evaluated: 2023-06-14. Review status: criteria provided, single submitter. Criteria: Invitae Variant Classification Sherloc (09022015). Collection method: clinical testing. Allele origin: unknown.
Comment: In summary, the available evidence is currently insufficient to determine the role of this variant in disease. Therefore, it has been classified as a Variant of Uncertain Significance. This variant has not been reported in the literature in individuals affected with TRRAP-related conditions. This variant results in a copy number gain of the genomic region encompassing exon(s) 2-67 of the TRRAP gene. This region includes the initiator codon of the gene. This copy number gain extends beyond the assayed region for this gene and therefore may encompass additional genes. As the precise location of this event is unknown, it may be in tandem or it may be located elsewhere in the genome.